The following is an entry in ClinVar:

NM_001164508.2(NEB):c.10994G>A (p.Arg3665His)

Gene: NEB (nebulin; minus strand). Cytogenetic location: 2q23.3.
Variant type: single nucleotide variant.
Coding change: c.10994G>A on transcript NM_001164508.2 (MANE Select); coding-DNA position 10994, G replaced by A.
Protein change: p.Arg3665His; replaces arginine 3665 with histidine.
Molecular consequence: missense variant.
Genome position (GRCh38, 1-based): chr2:151,618,357, C>T on the plus strand (G>A on the coding strand, the complement: NEB is on the minus strand). VCF-style: chr2-151618357-C-T. GRCh37 (hg19) VCF-style: chr2-152474871-C-T.
Other names: c.10994G>A, p.Arg3665His (NM_001164507.2, NM_001271208.2); c.10265G>A, p.Arg3422His (NM_004543.5); c.10265G>A (NM_004543.4); short protein forms R3665H, R3422H.
Identifiers: ClinVar variation 2063240 (VCV002063240.6), dbSNP rs755314719, ClinGen allele CA1908904.

ClinVar aggregate classification (germline): Conflicting classifications of pathogenicity. Review status: criteria provided, conflicting classifications (1 of 4 stars). 3 submissions from 3 submitters: Uncertain significance (2); Likely benign (1). Last evaluated 2026-02-06.

Conditions:
Inborn genetic diseases. Identifiers: MedGen C0950123, MeSH D030342.
Nemaline myopathy 2 (NEM2). Also called: Nemaline myopathy 2, autosomal recessive. Identifiers: MedGen C1850569, MONDO:0009725, OMIM 256030.

Allele frequency attached by ClinVar (database versions not stated): ExAC 0.00002; gnomAD 0.00002; TOPMed 0.00002.
gnomAD v4.1: 13 of 1,613,858 alleles (0.00081%); highest among the groups gnomAD compares: Admixed American, 0.0083%; no homozygotes.

Submissions (3):

GeneDx
Classification: Uncertain significance. Last evaluated: 2026-02-06. Review status: criteria provided, single submitter. Criteria: GeneDx Variant Classification Process June 2021. Collection method: clinical testing. Allele origin: germline.
Comment: Not observed at significant frequency in large population cohorts (gnomAD); In silico analysis suggests that this missense variant does not alter protein structure/function; Has not been previously published as pathogenic or benign to our knowledge

Labcorp Genetics (formerly Invitae), Labcorp
Classification: Likely benign for Nemaline myopathy 2. Last evaluated: 2025-12-21. Review status: criteria provided, single submitter. Criteria: Invitae Variant Classification Sherloc (09022015). Collection method: clinical testing. Allele origin: germline.

Ambry Genetics
Classification: Uncertain significance for Inborn genetic diseases. Last evaluated: 2025-02-08. Review status: criteria provided, single submitter. Criteria: Ambry Variant Classification Scheme 2023. Collection method: clinical testing. Allele origin: germline.